The following is an entry in ClinVar:

NM_020937.4(FANCM):c.544T>A (p.Cys182Ser)

Gene: FANCM (FA complementation group M; plus strand). Cytogenetic location: 14q21.2.
Variant type: single nucleotide variant.
Coding change: c.544T>A on transcript NM_020937.4 (MANE Select); coding-DNA position 544, T replaced by A.
Protein change: p.Cys182Ser; replaces cysteine 182 with serine.
Molecular consequence: missense variant.
Genome position (GRCh38, 1-based): chr14:45,137,104, T>A. VCF-style: chr14-45137104-T-A. GRCh37 (hg19) VCF-style: chr14-45606307-T-A.
Other names: c.544T>A, p.Cys182Ser (NM_001308133.2, NM_001308134.2); short protein forms C182S.
Identifiers: ClinVar variation 665706 (VCV000665706.6), dbSNP rs992613830, ClinGen allele CA259603116.

ClinVar aggregate classification (germline): Uncertain significance (1 of 4 stars; one submission).

Conditions:
Fanconi anemia (FA). Also called: Fanconi's anemia. Identifiers: Orphanet 84, MedGen C0015625, MeSH D005199, MONDO:0019391.

Allele frequency attached by ClinVar (database versions not stated): gnomAD 0.00001; gnomAD exomes below 0.00001; TOPMed 0.00002.
gnomAD v4.1: 8 of 1,613,430 alleles (0.0005%); highest among the groups gnomAD compares: Non-Finnish European, 0.00068%; no homozygotes.

Submission:

Labcorp Genetics (formerly Invitae), Labcorp
Classification: Uncertain significance for Fanconi anemia. Last evaluated: 2022-10-03. Review status: criteria provided, single submitter. Criteria: Invitae Variant Classification Sherloc (09022015). Collection method: clinical testing. Allele origin: germline.
Comment: This sequence change replaces cysteine, which is neutral and slightly polar, with serine, which is neutral and polar, at codon 182 of the FANCM protein (p.Cys182Ser). This variant is present in population databases (no rsID available, gnomAD 0.0009%). This variant has not been reported in the literature in individuals affected with FANCM-related conditions. ClinVar contains an entry for this variant (Variation ID: 665706). Algorithms developed to predict the effect of missense changes on protein structure and function output the following: SIFT: "Tolerated"; PolyPhen-2: "Benign"; Align-GVGD: "Class C0". The serine amino acid residue is found in multiple mammalian species, which suggests that this missense change does not adversely affect protein function. In summary, the available evidence is currently insufficient to determine the role of this variant in disease. Therefore, it has been classified as a Variant of Uncertain Significance.